The following is an entry in ClinVar:

ClinVar aggregate classification (germline): Uncertain significance. Review status: criteria provided, multiple submitters, no conflicts (2 of 4 stars). 2 submissions from 2 submitters: Uncertain significance (2). Last evaluated 2025-05-20.

Submissions (2):

Ambry Genetics
Classification: Uncertain significance. Last evaluated: 2025-05-20. Review status: criteria provided, single submitter. Criteria: Ambry Variant Classification Scheme 2023. Collection method: clinical testing. Allele origin: germline.

Labcorp Genetics (formerly Invitae), Labcorp
Classification: Uncertain significance. Last evaluated: 2022-11-15. Review status: criteria provided, single submitter. Criteria: Invitae Variant Classification Sherloc (09022015). Collection method: clinical testing. Allele origin: germline.
Comment: This sequence change replaces arginine, which is basic and polar, with glycine, which is neutral and non-polar, at codon 727 of the MCM5 protein (p.Arg727Gly). This variant is not present in population databases (gnomAD no frequency). This variant has not been reported in the literature in individuals affected with MCM5-related conditions. ClinVar contains an entry for this variant (Variation ID: 1376448). Algorithms developed to predict the effect of missense changes on protein structure and function are either unavailable or do not agree on the potential impact of this missense change (SIFT: "Tolerated"; PolyPhen-2: "Probably Damaging"; Align-GVGD: "Class C0"). In summary, the available evidence is currently insufficient to determine the role of this variant in disease. Therefore, it has been classified as a Variant of Uncertain Significance.

NM_006739.4(MCM5):c.2179C>G (p.Arg727Gly)

Gene: MCM5 (minichromosome maintenance complex component 5; plus strand). Cytogenetic location: 22q12.3.
Variant type: single nucleotide variant.
Coding change: c.2179C>G on transcript NM_006739.4 (MANE Select); coding-DNA position 2179, C replaced by G.
Protein change: p.Arg727Gly; replaces arginine 727 with glycine.
Molecular consequence: missense variant.
Genome position (GRCh38, 1-based): chr22:35,424,229, C>G. VCF-style: chr22-35424229-C-G. GRCh37 (hg19) VCF-style: chr22-35820222-C-G.
Other names: c.2179C>G (NM_006739.3); short protein forms R727G.
Identifiers: ClinVar variation 1376448 (VCV001376448.7), dbSNP rs374551933, ClinGen allele CA411351244.